The following is an entry in ClinVar:

ClinVar aggregate classification (germline): Benign/Likely benign. Review status: criteria provided, multiple submitters, no conflicts (2 of 4 stars). 4 submissions from 4 submitters: Benign (1); Likely benign (2). 1 of the submissions does not count toward it. Last evaluated 2026-01-27.

Conditions:
KIF11-related disorder. Also called: KIF11-related condition.

Allele frequency attached by ClinVar (database versions not stated): TOPMed 0.00011; ESP Exome Variant Server 0.00015; gnomAD exomes 0.00034; gnomAD 0.00038 and 0.00040.

Submissions (4):

Labcorp Genetics (formerly Invitae), Labcorp
Classification: Benign. Last evaluated: 2026-01-27. Review status: criteria provided, single submitter. Criteria: Invitae Variant Classification Sherloc (09022015). Collection method: clinical testing. Allele origin: germline.

Blueprint Genetics
Classification: Likely benign. Last evaluated: 2024-11-21. Review status: criteria provided, single submitter. Criteria: ACMG Guidelines, 2015. Collection method: clinical testing. Allele origin: germline.

CeGaT Center for Human Genetics Tuebingen
Classification: Likely benign. Last evaluated: 2022-02-01. Review status: criteria provided, single submitter. Criteria: CeGaT Center For Human Genetics Tuebingen Variant Classification Criteria Version 2. Collection method: clinical testing. Allele origin: germline. Affected: yes. Observed: 1 variant allele.

PreventionGenetics, part of Exact Sciences
Classification: Likely benign for KIF11-related condition. Last evaluated: 2024-08-01. Review status: no assertion criteria provided. Collection method: clinical testing. Allele origin: germline. Not counted in ClinVar's aggregate classification.
Comment: This variant is classified as likely benign based on ACMG/AMP sequence variant interpretation guidelines (Richards et al. 2015 PMID: 25741868, with internal and published modifications).

NM_004523.4(KIF11):c.679C>T (p.Leu227=)

Gene: KIF11 (kinesin family member 11; plus strand). Cytogenetic location: 10q23.33.
Variant type: single nucleotide variant.
Coding change: c.679C>T on transcript NM_004523.4 (MANE Select); coding-DNA position 679, C replaced by T.
Protein change: p.Leu227=; no amino-acid change (leucine 227 retained).
Molecular consequence: synonymous variant.
Genome position (GRCh38, 1-based): chr10:92,609,490, C>T. VCF-style: chr10-92609490-C-T. GRCh37 (hg19) VCF-style: chr10-94369247-C-T.
Other names: c.679C>T (NM_004523.3).
Identifiers: ClinVar variation 1164683 (VCV001164683.41), dbSNP rs145656661, ClinGen allele CA5604049.